The following is an entry in ClinVar:

NM_032590.5(KDM2B):c.1577C>T (p.Ser526Phe)

Gene: KDM2B (lysine demethylase 2B; minus strand). Cytogenetic location: 12q24.31.
Variant type: single nucleotide variant.
Coding change: c.1577C>T on transcript NM_032590.5 (MANE Select); coding-DNA position 1577, C replaced by T.
Protein change: p.Ser526Phe; replaces serine 526 with phenylalanine.
Molecular consequence: missense variant.
Genome position (GRCh38, 1-based): chr12:121,509,637, G>A on the plus strand (C>T on the coding strand, the complement: KDM2B is on the minus strand). VCF-style: chr12-121509637-G-A. GRCh37 (hg19) VCF-style: chr12-121947440-G-A.
Other names: c.1484C>T, p.Ser495Phe (NM_001005366.2, NM_001439025.1, NM_001439026.1); c.1673C>T, p.Ser558Phe (NM_001439014.1, NM_001439015.1); c.1655C>T, p.Ser552Phe (NM_001439016.1); c.1577C>T, p.Ser526Phe (NM_001439017.1, NM_001439018.1); c.1562C>T, p.Ser521Phe (NM_001439020.1); c.1544C>T, p.Ser515Phe (NM_001439021.1); c.1514C>T, p.Ser505Phe (NM_001439022.1, NM_001439023.1, NM_001439029.1); c.1466C>T, p.Ser489Phe (NM_001439028.1); short protein forms S489F, S495F, S505F, S515F, S521F, S526F, S552F, S558F.
Identifiers: ClinVar variation 4851634 (VCV004851634.1).

ClinVar aggregate classification (germline): Uncertain significance (1 of 4 stars; one submission).

Submission:

Greenwood Genetic Center Diagnostic Laboratories, Greenwood Genetic Center
Classification: Uncertain significance. Last evaluated: 2025-01-28. Review status: criteria provided, single submitter. Criteria: ACMG Guidelines, 2015. Collection method: clinical testing. Allele origin: germline.
Comment: PM2, BP4, PP2